The following is an entry in ClinVar:

ClinVar aggregate classification (germline): Likely benign (1 of 4 stars; one submission).

Allele frequency attached by ClinVar (database versions not stated): gnomAD 0.00013; TOPMed 0.00018; ExAC 0.00020; ESP Exome Variant Server 0.00038; gnomAD exomes 0.00051.
gnomAD v4.1: 558 of 1,198,196 alleles (0.047%); highest among the groups gnomAD compares: Non-Finnish European, 0.061%; no homozygotes.

Submission:

CeGaT Center for Human Genetics Tuebingen
Classification: Likely benign. Last evaluated: 2022-11-01. Review status: criteria provided, single submitter. Criteria: CeGaT Center For Human Genetics Tuebingen Variant Classification Criteria Version 2. Collection method: clinical testing. Allele origin: germline. Affected: yes. Observed: 1 variant allele.
Comment: SYTL4: BP4, BS2

NM_001370165.1(SYTL4):c.1288-4A>G

Gene: SYTL4 (synaptotagmin like 4; minus strand). Cytogenetic location: Xq22.1.
Variant type: single nucleotide variant.
Coding change: c.1288-4A>G on transcript NM_001370165.1 (MANE Select); 4 bases into the intron before coding-DNA position 1288, A replaced by G.
Molecular consequence: intron variant.
Genome position (GRCh38, 1-based): chrX:100,686,155, T>C on the plus strand (A>G on the coding strand, the complement: SYTL4 is on the minus strand). VCF-style: chrX-100686155-T-C. GRCh37 (hg19) VCF-style: chrX-99941152-T-C.
Other names: c.1288-4A>G (NM_001370161.1, NM_001129896.3, NM_001370164.1 and 9 more transcripts).
Identifiers: ClinVar variation 2661039 (VCV002661039.24), dbSNP rs376955908, ClinGen allele CA10469827.